The following is an entry in ClinVar:

NM_015214.3(DDHD2):c.1125+263T>C

Gene: DDHD2 (DDHD domain containing 2; plus strand). Cytogenetic location: 8p11.23.
Variant type: single nucleotide variant.
Coding change: c.1125+263T>C on transcript NM_015214.3 (MANE Select); 263 bases into the intron after coding-DNA position 1125, T replaced by C.
Molecular consequence: intron variant.
Genome position (GRCh38, 1-based): chr8:38,246,563, T>C. VCF-style: chr8-38246563-T-C. GRCh37 (hg19) VCF-style: chr8-38104081-T-C.
Other names: c.1125+263T>C (NM_001362914.2, NM_001362912.2, NM_001362911.2 and 1 more transcripts); c.1035+263T>C (NM_001362913.2).
Identifiers: ClinVar variation 668116 (VCV000668116.1), dbSNP rs10105555, ClinGen allele CA12722136.

ClinVar aggregate classification (germline): Benign (1 of 4 stars; one submission).

Allele frequency attached by ClinVar (database versions not stated): 1000 Genomes Project 30x 0.21252; 1000 Genomes Project 0.21785; gnomAD 0.22293 and 0.22624; TOPMed 0.23326.
gnomAD v4.1: 34,047 of 152,186 alleles (22%); highest among the groups gnomAD compares: East Asian, 31%; 3,987 homozygotes.

Submission:

GeneDx
Classification: Benign. Last evaluated: 2018-06-14. Review status: criteria provided, single submitter. Criteria: GeneDx Variant Classification (06012015). Collection method: clinical testing. Allele origin: germline. Affected: yes.
Comment: This variant is considered likely benign or benign based on one or more of the following criteria: it is a conservative change, it occurs at a poorly conserved position in the protein, it is predicted to be benign by multiple in silico algorithms, and/or has population frequency not consistent with disease.